The following is an entry in ClinVar:

NM_145207.3(AFG2A):c.2215dup (p.Ser739fs)

Gene: AFG2A (AFG2 AAA ATPase homolog A; plus strand). Cytogenetic location: 4q28.1.
Variant type: Duplication.
Coding change: c.2215dup on transcript NM_145207.3 (MANE Select); coding-DNA position 2215, one base duplicated (T; older notation c.2215dupT).
Protein change: p.Ser739fs; shifts the reading frame from serine 739.
Molecular consequence: frameshift variant.
Genome position (GRCh38, 1-based): chr4:123,090,580, T duplicated; the last of 2 consecutive T bases (chr4:123,090,579-123,090,580); duplicating either gives the same sequence. VCF-style (leftmost placement, unchanged base first): chr4-123090578-G-GT. GRCh37 (hg19) VCF-style: chr4-124011733-G-GT.
Other names: c.2212dup, p.Ser738fs (NM_001345856.2); short protein forms S739fs, S738fs.
Identifiers: ClinVar variation 2305724 (VCV002305724.3), dbSNP rs2529818242, ClinGen allele CA2580071461.

ClinVar aggregate classification (germline): Pathogenic (1 of 4 stars; one submission).

Conditions:
Inborn genetic diseases. Identifiers: MedGen C0950123, MeSH D030342.

Submission:

Ambry Genetics
Classification: Pathogenic for Inborn genetic diseases. Last evaluated: 2022-09-02. Review status: criteria provided, single submitter. Criteria: Ambry Variant Classification Scheme 2023. Collection method: clinical testing. Allele origin: germline.
Comment: The c.2215dupT (p.S739Ffs*23) alteration, located in exon 14 (coding exon 14) of the SPATA5 gene, consists of a duplication of T at position 2215, causing a translational frameshift with a predicted alternate stop codon after 23 amino acids. This alteration is expected to result in loss of function by premature protein truncation or nonsense-mediated mRNA decay. This variant was not reported in population-based cohorts in the Genome Aggregation Database (gnomAD). Based on the available evidence, this alteration is classified as pathogenic.